The following is an entry in ClinVar:

NM_013436.5(NCKAP1):c.2072A>G (p.Tyr691Cys)

Gene: NCKAP1 (NCK associated protein 1; minus strand). Cytogenetic location: 2q32.1.
Variant type: single nucleotide variant.
Coding change: c.2072A>G on transcript NM_013436.5 (MANE Select); coding-DNA position 2072, A replaced by G.
Protein change: p.Tyr691Cys; replaces tyrosine 691 with cysteine.
Molecular consequence: missense variant.
Genome position (GRCh38, 1-based): chr2:182,956,543, T>C on the plus strand (A>G on the coding strand, the complement: NCKAP1 is on the minus strand). VCF-style: chr2-182956543-T-C. GRCh37 (hg19) VCF-style: chr2-183821271-T-C.
Other names: c.2090A>G, p.Tyr697Cys (NM_205842.3); short protein forms Y691C, Y697C.
Identifiers: ClinVar variation 2276039 (VCV002276039.2), dbSNP rs1697331420, ClinGen allele CA349758394.

ClinVar aggregate classification (germline): Uncertain significance (1 of 4 stars; one submission).

Conditions:
Inborn genetic diseases. Identifiers: MedGen C0950123, MeSH D030342.

gnomAD v4.1: 1 of 1,610,626 alleles (0.000062%); highest among the groups gnomAD compares: Non-Finnish European, 0.000085%; no homozygotes.

Submission:

Ambry Genetics
Classification: Uncertain significance for Inborn genetic diseases. Last evaluated: 2022-03-08. Review status: criteria provided, single submitter. Criteria: Ambry Variant Classification Scheme 2023. Collection method: clinical testing. Allele origin: germline.
Comment: The c.2090A>G (p.Y697C) alteration is located in exon 21 (coding exon 21) of the NCKAP1 gene. This alteration results from an A to G substitution at nucleotide position 2090, causing the tyrosine (Y) at amino acid position 697 to be replaced by a cysteine (C). This variant was not reported in population-based cohorts in the Genome Aggregation Database (gnomAD). This amino acid position is highly conserved in available vertebrate species. This alteration is predicted to be tolerated by in silico analysis. Based on insufficient or conflicting evidence, the clinical significance of this alteration remains unclear.